The following is an entry in ClinVar:

ClinVar aggregate classification (germline): Uncertain significance (1 of 4 stars; one submission).

Submission:

Labcorp Genetics (formerly Invitae), Labcorp
Classification: Uncertain significance. Last evaluated: 2021-07-27. Review status: criteria provided, single submitter. Criteria: Invitae Variant Classification Sherloc (09022015). Collection method: clinical testing. Allele origin: germline.
Comment: In summary, the available evidence is currently insufficient to determine the role of this variant in disease. Therefore, it has been classified as a Variant of Uncertain Significance. Algorithms developed to predict the effect of missense changes on protein structure and function (SIFT, PolyPhen-2, Align-GVGD) all suggest that this variant is likely to be disruptive, but these predictions have not been confirmed by published functional studies and their clinical significance is uncertain. This variant has not been reported in the literature in individuals with KIAA1549-related conditions. This variant is not present in population databases (ExAC no frequency). This sequence change replaces histidine with tyrosine at codon 1372 of the KIAA1549 protein (p.His1372Tyr). The histidine residue is highly conserved and there is a moderate physicochemical difference between histidine and tyrosine.

NM_001164665.2(KIAA1549):c.4114C>T (p.His1372Tyr)

Gene: KIAA1549 (KIAA1549; minus strand). Cytogenetic location: 7q34.
Variant type: single nucleotide variant.
Coding change: c.4114C>T on transcript NM_001164665.2 (MANE Select); coding-DNA position 4114, C replaced by T.
Protein change: p.His1372Tyr; replaces histidine 1372 with tyrosine.
Molecular consequence: missense variant.
Genome position (GRCh38, 1-based): chr7:138,881,503, G>A on the plus strand (C>T on the coding strand, the complement: KIAA1549 is on the minus strand). VCF-style: chr7-138881503-G-A. GRCh37 (hg19) VCF-style: chr7-138566249-G-A.
Other names: c.4114C>T, p.His1372Tyr (NM_020910.3); short protein forms H1372Y.
Identifiers: ClinVar variation 853666 (VCV000853666.8), dbSNP rs1811243484, ClinGen allele CA369377433.